The following is an entry in ClinVar:

ClinVar aggregate classification (germline): Uncertain significance (1 of 4 stars; one submission).

Allele frequency attached by ClinVar (database versions not stated): ExAC 0.00001; gnomAD 0.00002; TOPMed 0.00002; ESP Exome Variant Server 0.00008.
gnomAD v4.1: 42 of 1,614,016 alleles (0.0026%); highest among the groups gnomAD compares: Admixed American, 0.01%; no homozygotes.

Submission:

Labcorp Genetics (formerly Invitae), Labcorp
Classification: Uncertain significance. Last evaluated: 2025-10-18. Review status: criteria provided, single submitter. Criteria: Invitae Variant Classification Sherloc (09022015). Collection method: clinical testing. Allele origin: germline.
Comment: This sequence change replaces glycine, which is neutral and non-polar, with serine, which is neutral and polar, at codon 253 of the DDR2 protein (p.Gly253Ser). This variant is present in population databases (rs376303676, gnomAD 0.003%). This variant has not been reported in the literature in individuals affected with DDR2-related conditions. ClinVar contains an entry for this variant (Variation ID: 2427900). An algorithm developed to predict the effect of missense changes on protein structure and function (PolyPhen-2) suggests that this variant is likely to be disruptive. In summary, the available evidence is currently insufficient to determine the role of this variant in disease. Therefore, it has been classified as a Variant of Uncertain Significance.

NM_006182.4(DDR2):c.757G>A (p.Gly253Ser)

Gene: DDR2 (discoidin domain receptor tyrosine kinase 2; plus strand). Cytogenetic location: 1q23.3.
Variant type: single nucleotide variant.
Coding change: c.757G>A on transcript NM_006182.4 (MANE Select); coding-DNA position 757, G replaced by A.
Protein change: p.Gly253Ser; replaces glycine 253 with serine.
Molecular consequence: missense variant.
Genome position (GRCh38, 1-based): chr1:162,759,881, G>A. VCF-style: chr1-162759881-G-A. GRCh37 (hg19) VCF-style: chr1-162729671-G-A.
Other names: c.757G>A, p.Gly253Ser (NM_001014796.3, NM_001354982.2, NM_001354983.2); short protein forms G253S.
Identifiers: ClinVar variation 2427900 (VCV002427900.6), dbSNP rs376303676, ClinGen allele CA1217332.